The following is an entry in ClinVar:

ClinVar aggregate classification (germline): Uncertain significance (1 of 4 stars; one submission).

Submission:

GeneDx
Classification: Uncertain significance. Last evaluated: 2025-05-14. Review status: criteria provided, single submitter. Criteria: GeneDx Variant Classification Process June 2021. Collection method: clinical testing. Allele origin: germline. Affected: yes.
Comment: Not observed at significant frequency in large population cohorts (gnomAD); In silico analysis supports that this missense variant has a deleterious effect on protein structure/function; Has not been previously published as pathogenic or benign to our knowledge

NM_017934.7(PHIP):c.671A>C (p.His224Pro)

Gene: PHIP (PHIP subunit of CUL4-Ring ligase complex; minus strand). Cytogenetic location: 6q14.1.
Variant type: single nucleotide variant.
Coding change: c.671A>C on transcript NM_017934.7 (MANE Select); coding-DNA position 671, A replaced by C.
Protein change: p.His224Pro; replaces histidine 224 with proline.
Molecular consequence: missense variant.
Genome position (GRCh38, 1-based): chr6:79,026,094, T>G on the plus strand (A>C on the coding strand, the complement: PHIP is on the minus strand). VCF-style: chr6-79026094-T-G. GRCh37 (hg19) VCF-style: chr6-79735811-T-G.
Other names: short protein forms H224P.
Identifiers: ClinVar variation 4529978 (VCV004529978.1).